The following is an entry in ClinVar:

ClinVar aggregate classification (germline): Likely pathogenic. Review status: criteria provided, multiple submitters, no conflicts (2 of 4 stars). 2 submissions from 2 submitters: Likely pathogenic (2). Last evaluated 2024-11-11.

Conditions:
Multiple congenital anomalies-hypotonia-seizures syndrome 1 (MCAHS1). Also called: PIGN-CDG; Congenital disorder of glycosylation due to PIGN deficiency; GLYCOSYLPHOSPHATIDYLINOSITOL BIOSYNTHESIS DEFECT 3. Identifiers: Orphanet 280633, MedGen C3279775, MONDO:0013563, OMIM 614080.

Allele frequency attached by ClinVar (database versions not stated): gnomAD exomes below 0.00001.
gnomAD v4.1: 1 of 1,490,638 alleles (0.000067%); highest among the groups gnomAD compares: Non-Finnish European, 0.000092%; no homozygotes.

Submissions (2):

Dasa
Classification: Likely pathogenic. Last evaluated: 2024-11-11. Review status: criteria provided, single submitter. Criteria: DASA Assertion Criteria. Collection method: clinical testing. Allele origin: germline.
Comment: NM_176787.5(PIGN):c.963+1G>T affects a canonical splice site and is predicted to disrupt normal RNA splicing. Loss of function is an established disease mechanism for PIGN-associated disorders. Also, this variant is rare in population databases. Based on the currently available evidence, this variant is classified as likely pathogenic.

Labcorp Genetics (formerly Invitae), Labcorp
Classification: Likely pathogenic for Multiple congenital anomalies-hypotonia-seizures syndrome 1. Last evaluated: 2022-11-11. Review status: criteria provided, single submitter. Criteria: Invitae Variant Classification Sherloc (09022015). Collection method: clinical testing. Allele origin: germline.
Comment: This sequence change affects a donor splice site in intron 11 of the PIGN gene. It is expected to disrupt RNA splicing. Variants that disrupt the donor or acceptor splice site typically lead to a loss of protein function (PMID: 16199547), and loss-of-function variants in PIGN are known to be pathogenic (PMID: 24253414, 27038415). This variant is not present in population databases (gnomAD no frequency). This variant has not been reported in the literature in individuals affected with PIGN-related conditions. ClinVar contains an entry for this variant (Variation ID: 582440). Algorithms developed to predict the effect of sequence changes on RNA splicing suggest that this variant may disrupt the consensus splice site. In summary, the currently available evidence indicates that the variant is pathogenic, but additional data are needed to prove that conclusively. Therefore, this variant has been classified as Likely Pathogenic.

Literature cited by the submitters: PubMed 16199547 (cited by Labcorp Genetics (formerly Invitae), Labcorp); PubMed 24253414 (cited by Labcorp Genetics (formerly Invitae), Labcorp); PubMed 27038415 (cited by Labcorp Genetics (formerly Invitae), Labcorp).

NM_176787.5(PIGN):c.963+1G>T

Gene: PIGN (phosphatidylinositol glycan anchor biosynthesis class N; minus strand). Cytogenetic location: 18q21.33.
Variant type: single nucleotide variant.
Coding change: c.963+1G>T on transcript NM_176787.5 (MANE Select); the canonical splice donor site of the intron after coding-DNA position 963, G replaced by T.
Molecular consequence: splice donor variant.
Genome position (GRCh38, 1-based): chr18:62,143,305, C>A on the plus strand (G>T on the coding strand, the complement: PIGN is on the minus strand). VCF-style: chr18-62143305-C-A. GRCh37 (hg19) VCF-style: chr18-59810538-C-A.
Other names: c.963+1G>T (NM_012327.6).
Identifiers: ClinVar variation 582440 (VCV000582440.9), dbSNP rs1568224018, ClinGen allele CA402608204.